The following is an entry in ClinVar:

ClinVar aggregate classification (germline): Uncertain significance (1 of 4 stars; one submission).

Allele frequency attached by ClinVar (database versions not stated): gnomAD exomes below 0.00001.
gnomAD v4.1: 1 of 1,614,176 alleles (0.000062%); highest among the groups gnomAD compares: Admixed American, 0.0017%; no homozygotes.

Submission:

Labcorp Genetics (formerly Invitae), Labcorp
Classification: Uncertain significance. Last evaluated: 2022-06-13. Review status: criteria provided, single submitter. Criteria: Invitae Variant Classification Sherloc (09022015). Collection method: clinical testing. Allele origin: germline.
Comment: In summary, the available evidence is currently insufficient to determine the role of this variant in disease. Therefore, it has been classified as a Variant of Uncertain Significance. Algorithms developed to predict the effect of missense changes on protein structure and function are either unavailable or do not agree on the potential impact of this missense change (SIFT: "Tolerated"; PolyPhen-2: "Not Available"; Align-GVGD: "Class C0"). This variant has not been reported in the literature in individuals affected with CLTC-related conditions. This variant is present in population databases (no rsID available, gnomAD 0.003%). This sequence change replaces leucine, which is neutral and non-polar, with valine, which is neutral and non-polar, at codon 1421 of the CLTC protein (p.Leu1421Val).

NM_004859.4(CLTC):c.4249C>G (p.Leu1417Val)

Genes: CLTC (clathrin heavy chain; plus strand), LOC126862609 (CDK7 strongly-dependent group 2 enhancer GRCh37_chr17:57760547-57761746; plus strand). Cytogenetic location: 17q23.1.
Variant type: single nucleotide variant.
Coding change: c.4249C>G on transcript NM_004859.4 (MANE Select); coding-DNA position 4249, C replaced by G.
Protein change: p.Leu1417Val; replaces leucine 1417 with valine.
Molecular consequence: missense variant.
Genome position (GRCh38, 1-based): chr17:59,683,682, C>G. VCF-style: chr17-59683682-C-G. GRCh37 (hg19) VCF-style: chr17-57761043-C-G.
Other names: c.4261C>G, p.Leu1421Val (NM_001288653.2); short protein forms L1417V, L1421V.
Identifiers: ClinVar variation 1417227 (VCV001417227.6), dbSNP rs1244986924, ClinGen allele CA400421187.
Genomic context (GRCh38, chr17:59,683,682, plus strand): 5'-TAGGTTGCCAATGTGGAACTATACTACAGAGCAATACAGTTCTACTTAGAATTCAAGCCT[C>G]TGTTGTTAAATGATTTGCTGATGGTGCTGTCTCCACGGTTGGATCACACTCGTGCAGTCA-3'
Protein context (NP_004850.1, residues 1407-1427): AIQFYLEFKP[Leu1417Val]LLNDLLMVLS